The following is an entry in ClinVar:

NM_000263.4(NAGLU):c.26C>G (p.Ala9Gly)

Genes: NAGLU (N-acetyl-alpha-glucosaminidase; plus strand), LOC130060903 (ATAC-STARR-seq lymphoblastoid silent region 8533; plus strand). Cytogenetic location: 17q21.2.
Variant type: single nucleotide variant.
Coding change: c.26C>G on transcript NM_000263.4 (MANE Select); coding-DNA position 26, C replaced by G.
Protein change: p.Ala9Gly; replaces alanine 9 with glycine.
Molecular consequence: missense variant.
Genome position (GRCh38, 1-based): chr17:42,536,298, C>G. VCF-style: chr17-42536298-C-G. GRCh37 (hg19) VCF-style: chr17-40688316-C-G.
Other names: short protein forms A9G.
Identifiers: ClinVar variation 1447242 (VCV001447242.3), dbSNP rs1176961335, ClinGen allele CA399594951.

ClinVar aggregate classification (germline): Uncertain significance (1 of 4 stars; one submission).

Conditions:
Mucopolysaccharidosis, MPS-III-B (MPS3B). Also called: N-ACETYL-ALPHA-D-GLUCOSAMINIDASE DEFICIENCY; NAGLU DEFICIENCY; SANFILIPPO SYNDROME B; MPS III B; MPS IIIB (Sanfilippo Syndrome Type B); MUCOPOLYSACCHARIDOSIS, TYPE IIIB. Identifiers: Orphanet 79270, MedGen C0086648, MONDO:0009656, OMIM 252920.
Charcot-Marie-Tooth disease axonal type 2V. Also called: CHARCOT-MARIE-TOOTH NEUROPATHY, TYPE 2V; CHARCOT-MARIE-TOOTH DISEASE, AXONAL, AUTOSOMAL DOMINANT, TYPE 2V. Identifiers: Orphanet 447964, MedGen C5569050, MONDO:0014665, OMIM 616491.

Submission:

Labcorp Genetics (formerly Invitae), Labcorp
Classification: Uncertain significance for Charcot-Marie-Tooth disease axonal type 2V; Mucopolysaccharidosis, MPS-III-B. Last evaluated: 2022-06-27. Review status: criteria provided, single submitter. Criteria: Invitae Variant Classification Sherloc (09022015). Collection method: clinical testing. Allele origin: germline.
Comment: This sequence change replaces alanine, which is neutral and non-polar, with glycine, which is neutral and non-polar, at codon 9 of the NAGLU protein (p.Ala9Gly). This variant is not present in population databases (gnomAD no frequency). This variant has not been reported in the literature in individuals affected with NAGLU-related conditions. Advanced modeling of protein sequence and biophysical properties (such as structural, functional, and spatial information, amino acid conservation, physicochemical variation, residue mobility, and thermodynamic stability) performed at Invitae indicates that this missense variant is not expected to disrupt NAGLU protein function. In summary, the available evidence is currently insufficient to determine the role of this variant in disease. Therefore, it has been classified as a Variant of Uncertain Significance.